The following is an entry in ClinVar:

ClinVar aggregate classification (germline): Uncertain significance (1 of 4 stars; one submission).

Conditions:
Hereditary cancer-predisposing syndrome. Also called: Neoplastic Syndromes, Hereditary; Tumor predisposition; Hereditary Cancer Syndrome; Hereditary neoplastic syndrome. Identifiers: Orphanet 140162, MedGen C0027672, MeSH D009386, MONDO:0015356.

Submission:

Color Diagnostics, LLC DBA Color Health
Classification: Uncertain significance for Hereditary cancer-predisposing syndrome. Last evaluated: 2020-06-08. Review status: criteria provided, single submitter. Criteria: ACMG Guidelines, 2015. Collection method: clinical testing. Allele origin: germline.
Comment: This missense variant replaces valine with methionine at codon 3056 of the ATM protein. Computational prediction suggests that this variant may not impact protein structure and function (internally defined REVEL score threshold <= 0.5, PMID: 27666373). To our knowledge, functional studies have not been reported for this variant. This variant has not been reported in individuals affected with hereditary cancer in the literature. This variant has not been identified in the general population by the Genome Aggregation Database (gnomAD). The available evidence is insufficient to determine the role of this variant in disease conclusively. Therefore, this variant is classified as a Variant of Uncertain Significance.

NM_000051.4(ATM):c.9166G>A (p.Val3056Met)

Genes: ATM (ATM serine/threonine kinase; plus strand), C11orf65 (chromosome 11 open reading frame 65; minus strand). Cytogenetic location: 11q22.3.
Variant type: single nucleotide variant.
Coding change: c.9166G>A on transcript NM_000051.4 (MANE Select); coding-DNA position 9166, G replaced by A.
Protein change: p.Val3056Met; replaces valine 3056 with methionine.
Molecular consequence: missense variant. On other transcripts: intron variant (2).
Genome position (GRCh38, 1-based): chr11:108,365,503, G>A. VCF-style: chr11-108365503-G-A. GRCh37 (hg19) VCF-style: chr11-108236230-G-A.
Other names: c.9166G>A, p.Val3056Met (NM_001351834.2); c.640+20417C>T (NM_001330368.2); c.694+20417C>T (NM_001351110.2); short protein forms V3056M.
Identifiers: ClinVar variation 1171408 (VCV001171408.4), dbSNP rs371767164, ClinGen allele CA382532202.